The following is an entry in ClinVar:

ClinVar aggregate classification (germline): Benign (1 of 4 stars; one submission).

Allele frequency attached by ClinVar (database versions not stated): gnomAD 0.46664 and 0.46982; TOPMed 0.46775; 1000 Genomes Project 30x 0.52826; 1000 Genomes Project 0.53295.
gnomAD v4.1: 71,365 of 152,068 alleles (47%); highest among the groups gnomAD compares: South Asian, 55%; 16,991 homozygotes.

Submission:

GeneDx
Classification: Benign. Last evaluated: 2018-06-14. Review status: criteria provided, single submitter. Criteria: GeneDx Variant Classification (06012015). Collection method: clinical testing. Allele origin: germline. Affected: yes.
Comment: This variant is considered likely benign or benign based on one or more of the following criteria: it is a conservative change, it occurs at a poorly conserved position in the protein, it is predicted to be benign by multiple in silico algorithms, and/or has population frequency not consistent with disease.

NM_017827.4(SARS2):c.759+283T>C

Gene: SARS2 (seryl-tRNA synthetase 2, mitochondrial; minus strand). Cytogenetic location: 19q13.2.
Variant type: single nucleotide variant.
Coding change: c.759+283T>C on transcript NM_017827.4 (MANE Select); 283 bases into the intron after coding-DNA position 759, T replaced by C.
Molecular consequence: intron variant.
Genome position (GRCh38, 1-based): chr19:38,919,479, A>G on the plus strand (T>C on the coding strand, the complement: SARS2 is on the minus strand). VCF-style: chr19-38919479-A-G. GRCh37 (hg19) VCF-style: chr19-39410119-A-G.
Other names: c.765+283T>C (NM_001145901.2).
Identifiers: ClinVar variation 683696 (VCV000683696.1), dbSNP rs2099339, ClinGen allele CA14660910.